The following continues an entry in ClinVar:

NM_000030.3(AGXT):c.508G>A (p.Gly170Arg)

Gene: AGXT. ClinVar aggregate classification (germline): Pathogenic/Likely pathogenic. Pathogenic (23); Likely pathogenic (2).

Submissions 22 to 30 of 30:

Women's Health and Genetics/Laboratory Corporation of America, LabCorp
Classification: Pathogenic for Primary hyperoxaluria. Last evaluated: 2016-12-15. Review status: criteria provided, single submitter. Criteria: LabCorp Variant Classification Summary - May 2015. Collection method: clinical testing. Allele origin: germline.
Comment: Variant summary: The AGXT c.508G>A (p.Gly170Arg) variant involves the alteration of a conserved nucleotide. 5/5 in silico tools predict a damaging outcome for this variant. This variant was found in 43/42102 control chromosomes at a frequency of 0.0010213, which does not exceed the estimated maximal expected allele frequency of a pathogenic AGXT variant (0.0023717). This variant has been reported as the most common AGXT mutation and found in multiple PH1 patients both as homozygotes and compound heterozygotes. Functional studies showed that G170R causes a folding defect leading to an erroneous targeting to mitochondria, where the enzyme cannot perform glyoxylate detoxification. The AGT mistargeting is due to the combined effects with the P11L polymorphism, which generates a functionally weak N-terminal mitochondrial targeting sequence, and the additional presence of the G170R replacement increases the functional efficiency of this polymorphic mitochondrial targeting sequence. Variant in isolation lead to decreased enzyme activity (~50% WT level, ranging from 40-90% from different reports). However, when variant of interest presents on the minor allele (co-occurrence of two polymorphic variants c.32C>T/P11L and c.1020A>G/I340M), the mutant protein showed non-detectable level of activity. In addition, multiple clinical diagnostic laboratories/reputable databases classified this variant as pathogenic. Taken together, this variant is classified as pathogenic.

Center for Pediatric Genomic Medicine, Children's Mercy Hospital and Clinics
Classification: Likely pathogenic. Last evaluated: 2016-09-08. Review status: criteria provided, single submitter. Criteria: ACMG Guidelines, 2015. Collection method: clinical testing. Allele origin: germline.

Eurofins Ntd Llc (ga)
Classification: Pathogenic. Last evaluated: 2015-10-09. Review status: criteria provided, single submitter. Criteria: EGL Classification Definitions 2015. Collection method: clinical testing. Allele origin: germline. Observed: 4 variant alleles, 4 heterozygotes.

Juno Genomics, Hangzhou Juno Genomics, Inc
Classification: Pathogenic for Primary hyperoxaluria, type I. Review status: criteria provided, single submitter. Criteria: ACMG Guidelines, 2015. Collection method: clinical testing. Allele origin: germline.
Comment: Absent from controls (or at extremely low frequency if recessive) in Genome Aggregation Database.;Well-established in vitro or in vivo functional studies supportive of a damaging effect on the gene or gene product.;For recessive disorders, detected in trans with a pathogenic variant.;Patient's phenotype or family history is highly specific for a disease with a single genetic etiology.

Yale Center for Mendelian Genomics, Yale University
Classification: Pathogenic for Primary hyperoxaluria, type I. Last evaluated: 2019-01-17. Review status: no assertion criteria provided. Collection method: literature only. Allele origin: germline. Affected: yes. Observed: 1 compound heterozygote. Study: Yale Center for Mendelian Genomics. Not counted in ClinVar's aggregate classification.

Clinical Biochemistry Laboratory, Health Services Laboratory
Classification: Pathogenic for Primary hyperoxaluria, type I. Last evaluated: 2014-11-27. Review status: no assertion criteria provided. Collection method: in vitro. Allele origin: germline. Affected: yes. Not counted in ClinVar's aggregate classification.

OMIM
Classification: Pathogenic for HYPEROXALURIA, PRIMARY, TYPE I. Last evaluated: 2006-11-28. Review status: no assertion criteria provided. Collection method: literature only. Allele origin: germline. Not counted in ClinVar's aggregate classification.

GeneReviews
No classification provided. Condition: Primary hyperoxaluria, type I. Review status: no classification provided. Collection method: literature only. Allele origin: germline. Affected: yes. Not counted in ClinVar's aggregate classification.

Genomics England Pilot Project, Genomics England
Classification: Pathogenic for Primary hyperoxaluria, type I. Review status: no assertion criteria provided. Criteria: ACGS Guidelines, 2016. Collection method: clinical testing. Allele origin: germline. Affected: yes. Not counted in ClinVar's aggregate classification.

Literature cited by the submitters: PubMed 20301460 (cited by Victorian Clinical Genetics Services, Murdoch Childrens Research Institute and Illumina Laboratory Services, Illumina); PubMed 20016466 (cited by 5 submitters); PubMed 1703535 (cited by 6 submitters); PubMed 11708860 (cited by Labcorp Genetics (formerly Invitae), Labcorp and Rare Kidney Stone Consortium and the Mayo Clinic Hyperoxaluria Center, Mayo Clinic); PubMed 15356974 (cited by Labcorp Genetics (formerly Invitae), Labcorp and Rare Kidney Stone Consortium and the Mayo Clinic Hyperoxaluria Center, Mayo Clinic); PubMed 15840016 (cited by 4 submitters); PubMed 18985333 (cited by Labcorp Genetics (formerly Invitae), Labcorp and Rare Kidney Stone Consortium and the Mayo Clinic Hyperoxaluria Center, Mayo Clinic); PubMed 24988064 (cited by 4 submitters); PubMed 10960483 (cited by 8 submitters); PubMed 17110443 (cited by Labcorp Genetics (formerly Invitae), Labcorp and OMIM); PubMed 23229545 (cited by 4 submitters); PubMed 11156702 (cited by Rare Kidney Stone Consortium and the Mayo Clinic Hyperoxaluria Center, Mayo Clinic); PubMed 15802217 (cited by 4 submitters); PubMed 18782763 (cited by Rare Kidney Stone Consortium and the Mayo Clinic Hyperoxaluria Center, Mayo Clinic and Myriad Genetics, Inc.); PubMed 20713123 (cited by 4 submitters); PubMed 20208150 (cited by Rare Kidney Stone Consortium and the Mayo Clinic Hyperoxaluria Center, Mayo Clinic and Mayo Clinic Laboratories, Mayo Clinic); PubMed 21103899 (cited by Rare Kidney Stone Consortium and the Mayo Clinic Hyperoxaluria Center, Mayo Clinic); PubMed 20564000 (cited by Rare Kidney Stone Consortium and the Mayo Clinic Hyperoxaluria Center, Mayo Clinic); PubMed 22529745 (cited by 4 submitters); PubMed 22923379 (cited by Rare Kidney Stone Consortium and the Mayo Clinic Hyperoxaluria Center, Mayo Clinic); PubMed 23597595 (cited by Rare Kidney Stone Consortium and the Mayo Clinic Hyperoxaluria Center, Mayo Clinic); PubMed 24205397 (cited by Rare Kidney Stone Consortium and the Mayo Clinic Hyperoxaluria Center, Mayo Clinic and Myriad Genetics, Inc.); PubMed 24797341 (cited by Rare Kidney Stone Consortium and the Mayo Clinic Hyperoxaluria Center, Mayo Clinic); PubMed 24990153 (cited by 3 submitters); PubMed 26161999 (cited by Rare Kidney Stone Consortium and the Mayo Clinic Hyperoxaluria Center, Mayo Clinic); PubMed 26759051 (cited by Rare Kidney Stone Consortium and the Mayo Clinic Hyperoxaluria Center, Mayo Clinic); PubMed 28906061 (cited by Rare Kidney Stone Consortium and the Mayo Clinic Hyperoxaluria Center, Mayo Clinic); PubMed 30397603 (cited by Rare Kidney Stone Consortium and the Mayo Clinic Hyperoxaluria Center, Mayo Clinic); PubMed 29431110 (cited by Rare Kidney Stone Consortium and the Mayo Clinic Hyperoxaluria Center, Mayo Clinic); PubMed 31589614 (cited by Rare Kidney Stone Consortium and the Mayo Clinic Hyperoxaluria Center, Mayo Clinic); PubMed 30655312 (cited by Rare Kidney Stone Consortium and the Mayo Clinic Hyperoxaluria Center, Mayo Clinic and Yale Center for Mendelian Genomics, Yale University); PubMed 31328266 (cited by Rare Kidney Stone Consortium and the Mayo Clinic Hyperoxaluria Center, Mayo Clinic); PubMed 31980526 (cited by Rare Kidney Stone Consortium and the Mayo Clinic Hyperoxaluria Center, Mayo Clinic); PubMed 34686543 (cited by Rare Kidney Stone Consortium and the Mayo Clinic Hyperoxaluria Center, Mayo Clinic); PubMed 34426522 (cited by Rare Kidney Stone Consortium and the Mayo Clinic Hyperoxaluria Center, Mayo Clinic); PubMed 33443292 (cited by Rare Kidney Stone Consortium and the Mayo Clinic Hyperoxaluria Center, Mayo Clinic); PubMed 34008892 (cited by Rare Kidney Stone Consortium and the Mayo Clinic Hyperoxaluria Center, Mayo Clinic); PubMed 34082749 (cited by Rare Kidney Stone Consortium and the Mayo Clinic Hyperoxaluria Center, Mayo Clinic); PubMed 34758253 (cited by Rare Kidney Stone Consortium and the Mayo Clinic Hyperoxaluria Center, Mayo Clinic); PubMed 33726816 (cited by Rare Kidney Stone Consortium and the Mayo Clinic Hyperoxaluria Center, Mayo Clinic); PubMed 35812297 (cited by Rare Kidney Stone Consortium and the Mayo Clinic Hyperoxaluria Center, Mayo Clinic); PubMed 36871948 (cited by Rare Kidney Stone Consortium and the Mayo Clinic Hyperoxaluria Center, Mayo Clinic); PubMed 38290500 (cited by Rare Kidney Stone Consortium and the Mayo Clinic Hyperoxaluria Center, Mayo Clinic); PubMed 40794449 (cited by Rare Kidney Stone Consortium and the Mayo Clinic Hyperoxaluria Center, Mayo Clinic); PubMed 33274618 (cited by Natera, Inc.); PubMed 10400689 (cited by Mayo Clinic Laboratories, Mayo Clinic); PubMed 12737622 (cited by Mayo Clinic Laboratories, Mayo Clinic); PubMed 17460142 (cited by Mayo Clinic Laboratories, Mayo Clinic); PubMed 17495019 (cited by Mayo Clinic Laboratories, Mayo Clinic and SIB Swiss Institute of Bioinformatics); PubMed 25644115 (cited by 3 submitters); PubMed 27915025 (cited by Illumina Laboratory Services, Illumina); PubMed 19479957 (cited by Illumina Laboratory Services, Illumina and SIB Swiss Institute of Bioinformatics); PubMed 15327387 (cited by Illumina Laboratory Services, Illumina); PubMed 16208537 (cited by Laboratory for Molecular Medicine, Mass General Brigham Personalized Medicine); PubMed 15464418 (cited by OMIM); PubMed 1961759 (cited by OMIM); PubMed 10453743 (cited by OMIM); NCBI Bookshelf NBK1283 (cited by GeneReviews).